The following is an entry in ClinVar:

ClinVar aggregate classification (germline): Uncertain significance (1 of 4 stars; one submission).

Submission:

Labcorp Genetics (formerly Invitae), Labcorp
Classification: Uncertain significance. Last evaluated: 2024-11-16. Review status: criteria provided, single submitter. Criteria: Invitae Variant Classification Sherloc (09022015). Collection method: clinical testing. Allele origin: germline.
Comment: This sequence change replaces cysteine, which is neutral and slightly polar, with arginine, which is basic and polar, at codon 251 of the ARID1B protein (p.Cys251Arg). This variant is not present in population databases (gnomAD no frequency). This variant has not been reported in the literature in individuals affected with ARID1B-related conditions. ClinVar contains an entry for this variant (Variation ID: 2915767). Invitae Evidence Modeling of protein sequence and biophysical properties (such as structural, functional, and spatial information, amino acid conservation, physicochemical variation, residue mobility, and thermodynamic stability) indicates that this missense variant is not expected to disrupt ARID1B protein function with a negative predictive value of 95%. In summary, the available evidence is currently insufficient to determine the role of this variant in disease. Therefore, it has been classified as a Variant of Uncertain Significance.

NM_001374828.1(ARID1B):c.1000T>C (p.Cys334Arg)

Gene: ARID1B (AT-rich interaction domain 1B; plus strand). Cytogenetic location: 6q25.3.
Variant type: single nucleotide variant.
Coding change: c.1000T>C on transcript NM_001374828.1 (MANE Select); coding-DNA position 1000, T replaced by C.
Protein change: p.Cys334Arg; replaces cysteine 334 with arginine.
Molecular consequence: missense variant.
Genome position (GRCh38, 1-based): chr6:156,778,680, T>C. VCF-style: chr6-156778680-T-C. GRCh37 (hg19) VCF-style: chr6-157099814-T-C.
Other names: c.751T>C, p.Cys251Arg (NM_001346813.1, NM_020732.3); c.1000T>C, p.Cys334Arg (NM_001371656.1, NM_001374820.1, NM_017519.3); c.577T>C, p.Cys193Arg (NM_175863.2); short protein forms C334R, C193R, C251R.
Identifiers: ClinVar variation 2915767 (VCV002915767.3), dbSNP rs1276300860, ClinGen allele CA366382735.